The following is an entry in ClinVar:

NM_017563.5(IL17RD):c.738C>G (p.Thr246=)

Gene: IL17RD (interleukin 17 receptor D; minus strand). Cytogenetic location: 3p14.3.
Variant type: single nucleotide variant.
Coding change: c.738C>G on transcript NM_017563.5 (MANE Select); coding-DNA position 738, C replaced by G.
Protein change: p.Thr246=; no amino-acid change (threonine 246 retained).
Molecular consequence: synonymous variant.
Genome position (GRCh38, 1-based): chr3:57,105,866, G>C on the plus strand (C>G on the coding strand, the complement: IL17RD is on the minus strand). VCF-style: chr3-57105866-G-C. GRCh37 (hg19) VCF-style: chr3-57139894-G-C.
Other names: c.306C>G, p.Thr102= (NM_001318864.2).
Identifiers: ClinVar variation 729431 (VCV000729431.34), dbSNP rs143892890, ClinGen allele CA2462955.

ClinVar aggregate classification (germline): Likely benign. Review status: criteria provided, multiple submitters, no conflicts (2 of 4 stars). 4 submissions from 4 submitters: Likely benign (4). Last evaluated 2026-01-20.

Allele frequency attached by ClinVar (database versions not stated): gnomAD 0.00024 and 0.00037; TOPMed 0.00035; ESP Exome Variant Server 0.00069.
gnomAD v4.1: 548 of 1,613,582 alleles (0.034%); highest among the groups gnomAD compares: Middle Eastern, 0.05%; 2 homozygotes.

Submissions (4):

Women's Health and Genetics/Laboratory Corporation of America, LabCorp
Classification: Likely benign. Last evaluated: 2026-01-20. Review status: criteria provided, single submitter. Criteria: LabCorp Variant Classification Summary - May 2015. Collection method: clinical testing. Allele origin: germline.

CeGaT Center for Human Genetics Tuebingen
Classification: Likely benign. Last evaluated: 2025-12-01. Review status: criteria provided, single submitter. Criteria: CeGaT Center For Human Genetics Tuebingen Variant Classification Criteria Version 2. Collection method: clinical testing. Allele origin: germline. Affected: yes. Observed: 2 variant alleles.
Comment: IL17RD: BP4, BP7

Labcorp Genetics (formerly Invitae), Labcorp
Classification: Likely benign. Last evaluated: 2025-07-10. Review status: criteria provided, single submitter. Criteria: Invitae Variant Classification Sherloc (09022015). Collection method: clinical testing. Allele origin: germline.

Blueprint Genetics
Classification: Likely benign. Last evaluated: 2024-10-10. Review status: criteria provided, single submitter. Criteria: ACMG Guidelines, 2015. Collection method: clinical testing. Allele origin: germline.